The following is an entry in ClinVar:

NM_006796.3(AFG3L2):c.1501G>A (p.Glu501Lys)

Gene: AFG3L2 (AFG3 like matrix AAA peptidase subunit 2; minus strand). Cytogenetic location: 18p11.21.
Variant type: single nucleotide variant.
Coding change: c.1501G>A on transcript NM_006796.3 (MANE Select); coding-DNA position 1501, G replaced by A.
Protein change: p.Glu501Lys; replaces glutamic acid 501 with lysine.
Molecular consequence: missense variant.
Genome position (GRCh38, 1-based): chr18:12,351,136, C>T on the plus strand (G>A on the coding strand, the complement: AFG3L2 is on the minus strand). VCF-style: chr18-12351136-C-T. GRCh37 (hg19) VCF-style: chr18-12351135-C-T.
Other names: short protein forms E501K.
Identifiers: ClinVar variation 1030157 (VCV001030157.1), dbSNP rs1908302608, ClinGen allele CA401951896.

ClinVar aggregate classification (germline): Uncertain significance (1 of 4 stars; one submission).

Conditions:
Spastic ataxia 5. Also called: Spastic Ataxia Type 5 (SPAX5). Identifiers: Orphanet 313772, MedGen C3280977, MONDO:0013776, OMIM 614487.

Submission:

Baylor Genetics
Classification: Uncertain significance for Spastic ataxia 5. Last evaluated: 2020-06-03. Review status: criteria provided, single submitter. Criteria: ACMG Guidelines, 2015. Collection method: clinical testing. Allele origin: unknown. Affected: yes.
Comment: This variant was determined to be of uncertain significance according to ACMG Guidelines, 2015 [PMID:25741868].